The following is an entry in ClinVar:

ClinVar aggregate classification (germline): Pathogenic. Review status: criteria provided, single submitter (1 of 4 stars). 3 submissions from 3 submitters: Pathogenic (1). 2 of the submissions do not count toward it. Last evaluated 2022-06-14.

Conditions:
KCNQ4-related disorder. Also called: KCNQ4-related condition.
Autosomal dominant nonsyndromic hearing loss 2A. Also called: DFNA2 Nonsyndromic Hearing Loss; Deafness, autosomal dominant 2A; Autosomal dominant nonsyndromic deafness 2A. Identifiers: Orphanet 90635, MedGen C2677637, MONDO:0010817, OMIM 600101.

Submissions (3):

Blueprint Genetics
Classification: Pathogenic for KCNQ4-related disorders. Last evaluated: 2022-06-14. Review status: criteria provided, single submitter. Criteria: ACMG Guidelines, 2015. Collection method: clinical testing. Allele origin: de novo. Affected: yes. Observed: 4 variant alleles.

GeneReviews
Classification: Pathogenic for DFNA 2 Nonsyndromic Hearing Loss. Last evaluated: 2013-06-20. Review status: no assertion criteria provided. Collection method: curation. Allele origin: unknown. Not counted in ClinVar's aggregate classification.
ClinVar note: Converted during submission from pathologic to Pathogenic.

ClinVar Staff, National Center for Biotechnology Information (NCBI)
No classification provided. Review status: no classification provided. Collection method: not provided. Allele origin: germline. Not counted in ClinVar's aggregate classification.
Comment: The C allele was not found in 550 control chromosomes, but was found in all affected members (9)of the 17 members of the one family in this study.

NM_004700.4(KCNQ4):c.859G>C (p.Gly287Arg)

Gene: KCNQ4 (potassium voltage-gated channel subfamily Q member 4; plus strand). Cytogenetic location: 1p34.2.
Variant type: single nucleotide variant.
Coding change: c.859G>C on transcript NM_004700.4 (MANE Select); coding-DNA position 859, G replaced by C.
Protein change: p.Gly287Arg; replaces glycine 287 with arginine.
Molecular consequence: missense variant.
Genome position (GRCh38, 1-based): chr1:40,819,899, G>C. VCF-style: chr1-40819899-G-C. GRCh37 (hg19) VCF-style: chr1-41285571-G-C.
Other names: c.859G>C; c.859G>C, p.Gly287Arg (NM_172163.3); short protein forms G287R.
Identifiers: ClinVar variation 156337 (VCV000156337.4), dbSNP rs137853969, ClinGen allele CA233197.